The following is an entry in ClinVar:

ClinVar aggregate classification (germline): Uncertain significance (1 of 4 stars; one submission).

Conditions:
Hereditary cancer-predisposing syndrome. Also called: Neoplastic Syndromes, Hereditary; Tumor predisposition; Hereditary neoplastic syndrome; Hereditary Cancer Syndrome. Identifiers: Orphanet 140162, MedGen C0027672, MeSH D009386, MONDO:0015356.

Submission:

Ambry Genetics
Classification: Uncertain significance for Hereditary cancer-predisposing syndrome. Last evaluated: 2022-11-17. Review status: criteria provided, single submitter. Criteria: Ambry Variant Classification Scheme 2023. Collection method: clinical testing. Allele origin: germline.
Comment: The p.Y957F variant (also known as c.2870A>T), located in coding exon 18 of the RAD50 gene, results from an A to T substitution at nucleotide position 2870. The tyrosine at codon 957 is replaced by phenylalanine, an amino acid with highly similar properties. This amino acid position is conserved. In addition, this alteration is predicted to be tolerated by in silico analysis. Since supporting evidence is limited at this time, the clinical significance of this alteration remains unclear.

NM_005732.4(RAD50):c.2870A>T (p.Tyr957Phe)

Gene: RAD50 (RAD50 double strand break repair protein; plus strand). Cytogenetic location: 5q31.1.
Variant type: single nucleotide variant.
Coding change: c.2870A>T on transcript NM_005732.4 (MANE Select); coding-DNA position 2870, A replaced by T.
Protein change: p.Tyr957Phe; replaces tyrosine 957 with phenylalanine.
Molecular consequence: missense variant.
Genome position (GRCh38, 1-based): chr5:132,609,157, A>T. VCF-style: chr5-132609157-A-T. GRCh37 (hg19) VCF-style: chr5-131944849-A-T.
Other names: short protein forms Y957F.
Identifiers: ClinVar variation 2451405 (VCV002451405.2), dbSNP rs752752641, ClinGen allele CA360959635.
Genomic context (GRCh38, chr5:132,609,157, plus strand): 5'-TAATGAATATTTTTCTACAGCTGAATGATATTAAAGAGAAGGTTAAAAATATTCATGGCT[A>T]TATGAAAGACATTGAGAATTATATTCAAGATGGGAAAGACGACTATAAGAAGGTAATTTA-3'
Protein context (NP_005723.2, residues 947-967): IKEKVKNIHG[Tyr957Phe]MKDIENYIQD